The following is an entry in ClinVar:

ClinVar aggregate classification (germline): Likely benign (0 of 4 stars; one submission).

Conditions:
POLR1D-related disorder. Also called: POLR1D-related condition.

Allele frequency attached by ClinVar (database versions not stated): gnomAD 0.00001; TOPMed 0.00001; gnomAD exomes 0.00001.
gnomAD v4.1: 11 of 1,613,022 alleles (0.00068%); highest among the groups gnomAD compares: Non-Finnish European, 0.00085%; 1 homozygote.

Submission:

PreventionGenetics, part of Exact Sciences
Classification: Likely benign for POLR1D-related condition. Last evaluated: 2019-07-17. Review status: no assertion criteria provided. Collection method: clinical testing. Allele origin: germline.
Comment: This variant is classified as likely benign based on ACMG/AMP sequence variant interpretation guidelines (Richards et al. 2015 PMID: 25741868, with internal and published modifications).

NM_015972.4(POLR1D):c.*10C>T

Genes: POLR1D (RNA polymerase I and III subunit D; plus strand), LOC147380392 (uncharacterized LOC147380392; plus strand). Cytogenetic location: 13q12.2.
Variant type: single nucleotide variant.
Coding change: c.*10C>T on transcript NM_015972.4 (MANE Select); 10 bases downstream of the stop codon, C replaced by T.
Molecular consequence: 3 prime UTR variant. On other transcripts: intron variant (2).
Genome position (GRCh38, 1-based): chr13:27,623,260, C>T. VCF-style: chr13-27623260-C-T. GRCh37 (hg19) VCF-style: chr13-28197397-C-T.
Other names: c.*10C>T (NM_001374407.1); c.-59+2120C>T (NM_001206559.2); c.26+1251C>T (NM_152705.3).
Identifiers: ClinVar variation 3049700 (VCV003049700.2), dbSNP rs934624616, ClinGen allele CA247287472.